The following is an entry in ClinVar:

ClinVar aggregate classification (germline): Uncertain significance (1 of 4 stars; one submission).

Conditions:
Seizures, benign familial infantile, 3 (BFIS3). Also called: Familial neonatal seizures; CONVULSIONS, BENIGN FAMILIAL INFANTILE, 3. Identifiers: Orphanet 140927, Orphanet 306, MedGen C1843140, MONDO:0011904, OMIM 607745.
Developmental and epileptic encephalopathy, 11 (DEE11). Also called: Early infantile epileptic encephalopathy 11. Identifiers: Orphanet 1934, MedGen C3150987, MONDO:0013388, OMIM 613721.

Submission:

Labcorp Genetics (formerly Invitae), Labcorp
Classification: Uncertain significance for Seizures, benign familial infantile, 3; Developmental and epileptic encephalopathy, 11. Last evaluated: 2023-10-05. Review status: criteria provided, single submitter. Criteria: Invitae Variant Classification Sherloc (09022015). Collection method: clinical testing. Allele origin: germline.
Comment: This sequence change replaces isoleucine, which is neutral and non-polar, with valine, which is neutral and non-polar, at codon 1455 of the SCN2A protein (p.Ile1455Val). This variant is not present in population databases (gnomAD no frequency). This variant has not been reported in the literature in individuals affected with SCN2A-related conditions. Advanced modeling of protein sequence and biophysical properties (such as structural, functional, and spatial information, amino acid conservation, physicochemical variation, residue mobility, and thermodynamic stability) has been performed at Invitae for this missense variant, however the output from this modeling did not meet the statistical confidence thresholds required to predict the impact of this variant on SCN2A protein function. In summary, the available evidence is currently insufficient to determine the role of this variant in disease. Therefore, it has been classified as a Variant of Uncertain Significance.

NM_001040142.2(SCN2A):c.4363A>G (p.Ile1455Val)

Gene: SCN2A (sodium voltage-gated channel alpha subunit 2; plus strand). Cytogenetic location: 2q24.3.
Variant type: single nucleotide variant.
Coding change: c.4363A>G on transcript NM_001040142.2 (MANE Select); coding-DNA position 4363, A replaced by G.
Protein change: p.Ile1455Val; replaces isoleucine 1455 with valine.
Molecular consequence: missense variant.
Genome position (GRCh38, 1-based): chr2:165,380,646, A>G. VCF-style: chr2-165380646-A-G. GRCh37 (hg19) VCF-style: chr2-166237156-A-G.
Other names: c.4363A>G, p.Ile1455Val (NM_001040143.2, NM_001371246.1, NM_001371247.1 and 1 more transcripts); short protein forms I1455V.
Identifiers: ClinVar variation 2952555 (VCV002952555.3), dbSNP rs2105384627, ClinGen allele CA349033859.